The following is an entry in ClinVar:

NM_001378120.1(MBD5):c.1021C>A (p.Pro341Thr)

Gene: MBD5 (methyl-CpG binding domain protein 5; plus strand). Cytogenetic location: 2q23.1.
Variant type: single nucleotide variant.
Coding change: c.1021C>A on transcript NM_001378120.1 (MANE Select); coding-DNA position 1021, C replaced by A.
Protein change: p.Pro341Thr; replaces proline 341 with threonine.
Molecular consequence: missense variant.
Genome position (GRCh38, 1-based): chr2:148,468,964, C>A. VCF-style: chr2-148468964-C-A. GRCh37 (hg19) VCF-style: chr2-149226533-C-A.
Other names: c.1021C>A, p.Pro341Thr (NM_018328.5); short protein forms P341T.
Identifiers: ClinVar variation 3684296 (VCV003684296.2).

ClinVar aggregate classification (germline): Uncertain significance (1 of 4 stars; one submission).

Conditions:
Intellectual developmental disorder, autosomal dominant 1. Also called: MBD5 Haploinsufficiency; Intellectual disability, autosomal dominant 1. Identifiers: Orphanet 228402, MedGen C1969562, MONDO:0007974, OMIM 156200.

Submission:

Labcorp Genetics (formerly Invitae), Labcorp
Classification: Uncertain significance for Intellectual developmental disorder, autosomal dominant 1. Last evaluated: 2024-12-19. Review status: criteria provided, single submitter. Criteria: Invitae Variant Classification Sherloc (09022015). Collection method: clinical testing. Allele origin: germline.
Comment: This sequence change replaces proline, which is neutral and non-polar, with threonine, which is neutral and polar, at codon 341 of the MBD5 protein (p.Pro341Thr). This variant is not present in population databases (gnomAD no frequency). This variant has not been reported in the literature in individuals affected with MBD5-related conditions. Invitae Evidence Modeling of protein sequence and biophysical properties (such as structural, functional, and spatial information, amino acid conservation, physicochemical variation, residue mobility, and thermodynamic stability) indicates that this missense variant is not expected to disrupt MBD5 protein function with a negative predictive value of 80%. In summary, the available evidence is currently insufficient to determine the role of this variant in disease. Therefore, it has been classified as a Variant of Uncertain Significance.